The following is an entry in ClinVar:

NM_000264.5(PTCH1):c.941_944del (p.Thr314fs)

Gene: PTCH1 (patched 1; minus strand). Cytogenetic location: 9q22.32.
Variant type: Deletion.
Coding change: c.941_944del on transcript NM_000264.5 (MANE Select); coding-DNA positions 941 to 944, 4 bases deleted (CCAA; older notation c.941_944delCCAA).
Protein change: p.Thr314fs; shifts the reading frame from threonine 314.
Molecular consequence: frameshift variant. On other transcripts: non-coding transcript variant (1).
Genome position (GRCh38, 1-based): chr9:95,480,391-95,480,394, TTGG deleted on the plus strand (CCAA on the coding strand, the reverse complement: PTCH1 is on the minus strand); deleting any 4 consecutive bases within chr9:95,480,391-95,480,397 gives the same sequence; the c. name uses the placement nearest the transcript's 3' end. VCF-style (leftmost placement, unchanged base first): chr9-95480390-TTTGG-T. GRCh37 (hg19) VCF-style: chr9-98242672-TTTGG-T.
Other names: c.743_746del, p.Thr248fs (NM_001083602.3); c.938_941del, p.Thr313fs (NM_001083603.3); c.488_491del, p.Thr163fs (NM_001083604.3, NM_001083605.3, NM_001083606.3 and 1 more transcripts); c.941_944del, p.Thr314fs (NM_001354918.2); c.941_944delCCAA (NM_000264.3); short protein forms T314fs, T163fs, T248fs, T313fs.
Identifiers: ClinVar variation 2097414 (VCV002097414.6), dbSNP rs2538230250, ClinGen allele CA2580080885.

ClinVar aggregate classification (germline): Pathogenic. Review status: criteria provided, multiple submitters, no conflicts (2 of 4 stars). 2 submissions from 2 submitters: Pathogenic (2). Last evaluated 2023-08-07.

Conditions:
Hereditary cancer-predisposing syndrome. Also called: Tumor predisposition; Neoplastic Syndromes, Hereditary; Hereditary neoplastic syndrome; Hereditary Cancer Syndrome. Identifiers: Orphanet 140162, MedGen C0027672, MeSH D009386, MONDO:0015356.
Gorlin syndrome. Also called: Basal cell nevus syndrome; Nevoid Basal Cell Carcinoma Syndrome. Identifiers: Orphanet 377, MedGen C0004779, MONDO:0007187.

Submissions (2):

Ambry Genetics
Classification: Pathogenic for Hereditary cancer-predisposing syndrome. Last evaluated: 2023-08-07. Review status: criteria provided, single submitter. Criteria: Ambry Variant Classification Scheme 2023. Collection method: clinical testing. Allele origin: germline.
Comment: The c.941_944delCCAA pathogenic mutation, located in coding exon 6 of the PTCH1 gene, results from a deletion of 4 nucleotides at nucleotide positions 941 to 944, causing a translational frameshift with a predicted alternate stop codon (p.T314Nfs*9). This alteration has been observed in at least one individual with a personal and/or family history that is consistent with PTCH1-related disease (Ambry internal data). This variant is considered to be rare based on population cohorts in the Genome Aggregation Database (gnomAD). This alteration is expected to result in loss of function by premature protein truncation or nonsense-mediated mRNA decay. As such, this alteration is interpreted as a disease-causing mutation.

Labcorp Genetics (formerly Invitae), Labcorp
Classification: Pathogenic for Gorlin syndrome. Last evaluated: 2022-02-13. Review status: criteria provided, single submitter. Criteria: Invitae Variant Classification Sherloc (09022015). Collection method: clinical testing. Allele origin: germline.
Comment: This sequence change creates a premature translational stop signal (p.Thr314Asnfs*9) in the PTCH1 gene. It is expected to result in an absent or disrupted protein product. Loss-of-function variants in PTCH1 are known to be pathogenic (PMID: 16301862, 16419085). For these reasons, this variant has been classified as Pathogenic. This variant has not been reported in the literature in individuals affected with PTCH1-related conditions. This variant is not present in population databases (gnomAD no frequency).

Literature cited by the submitters: PubMed 16301862 (cited by Labcorp Genetics (formerly Invitae), Labcorp); PubMed 16419085 (cited by Labcorp Genetics (formerly Invitae), Labcorp).